The following is an entry in ClinVar:

ClinVar aggregate classification (germline): Pathogenic. Review status: reviewed by expert panel (3 of 4 stars). 9 submissions from 9 submitters: Pathogenic (1). 8 of the submissions do not count toward it. Last evaluated 2016-09-08.

Conditions:
Hereditary breast ovarian cancer syndrome. Also called: Hereditary breast and ovarian cancer syndrome; Hereditary breast and ovarian cancer; Hereditary breast and ovarian cancer syndrome (HBOC); Breast and ovarian cancer; Hereditary breast and/or ovarian cancer syndrome; BRCA1- and BRCA2-Associated Hereditary Breast and Ovarian Cancer. Identifiers: Orphanet 145, MedGen C0677776, MeSH D061325, MONDO:0003582. Disease mechanism: loss of function.
Hereditary cancer-predisposing syndrome. Also called: Neoplastic Syndromes, Hereditary; Tumor predisposition; Hereditary neoplastic syndrome; Hereditary Cancer Syndrome. Identifiers: Orphanet 140162, MedGen C0027672, MeSH D009386, MONDO:0015356.
Breast-ovarian cancer, familial, susceptibility to, 2 (BROVCA2). Also called: BRCA2 Hereditary Breast and Ovarian Cancer. Identifiers: Orphanet 145, MedGen C2675520, MONDO:0012933, OMIM 612555. Disease mechanism: loss of function.

Submissions (9):

Evidence-based Network for the Interpretation of Germline Mutant Alleles (ENIGMA)
Classification: Pathogenic for Breast-ovarian cancer, familial, susceptibility to, 2. Last evaluated: 2016-09-08. Review status: reviewed by expert panel. Criteria: ENIGMA BRCA1/2 Classification Criteria (2015). Collection method: curation. Allele origin: germline.
Comment: Variant allele predicted to encode a truncated non-functional protein.

Ambry Genetics
Classification: Pathogenic for Hereditary cancer-predisposing syndrome. Last evaluated: 2025-06-13. Review status: criteria provided, single submitter. Criteria: Ambry Variant Classification Scheme 2023. Collection method: clinical testing. Allele origin: germline. Not counted in ClinVar's aggregate classification.
Comment: The c.9016_9017delTA pathogenic mutation, located in coding exon 22 of the BRCA2 gene, results from a deletion of two nucleotides at nucleotide positions 9016 to 9017, causing a translational frameshift with a predicted alternate stop codon (p.Y3006Qfs*11). This alteration is expected to result in loss of function by premature protein truncation or nonsense-mediated mRNA decay. As such, this alteration is interpreted as a disease-causing mutation.

Clinical Genetics Laboratory, Skane University Hospital Lund
Classification: Pathogenic. Last evaluated: 2024-04-03. Review status: criteria provided, single submitter. Criteria: ACMG Guidelines, 2015. Collection method: clinical testing. Allele origin: germline. Affected: yes. Not counted in ClinVar's aggregate classification.

Women's Health and Genetics/Laboratory Corporation of America, LabCorp
Classification: Pathogenic for Hereditary breast ovarian cancer syndrome. Last evaluated: 2023-10-13. Review status: criteria provided, single submitter. Criteria: LabCorp Variant Classification Summary - May 2015. Collection method: clinical testing. Allele origin: germline. Not counted in ClinVar's aggregate classification.
Comment: Variant summary: BRCA2 c.9016_9017delTA (p.Tyr3006GlnfsX11) results in a premature termination codon, predicted to cause a truncation of the encoded protein or absence of the protein due to nonsense mediated decay, which are commonly known mechanisms for disease. The variant allele was found at a frequency of 4e-06 in 250700 control chromosomes. c.9016_9017delTA has been reported in the literature in individuals affected with Hereditary Breast And Ovarian Cancer Syndrome (e.g. Olafsdottir_2020). To our knowledge, no experimental evidence demonstrating an impact on protein function has been reported. Four submitters have cited clinical-significance assessments for this variant to ClinVar after 2014. The following publication have been ascertained in the context of this evaluation (PMID: 32939053). All submitters classified the variant as pathogenic. Based on the evidence outlined above, the variant was classified as pathogenic.

Laboratory for Molecular Medicine, Mass General Brigham Personalized Medicine
Classification: Likely pathogenic for Hereditary breast ovarian cancer syndrome. Last evaluated: 2020-06-19. Review status: criteria provided, single submitter. Criteria: ACMG Guidelines, 2015. Collection method: clinical testing. Allele origin: germline. Not counted in ClinVar's aggregate classification.
Comment: The p.Tyr3006GlnfsX11 variant in BRCA2 has been reported in the literature in 1 individual with breast cancer (Bergthorsson 2001 PubMed: 11389159). This vairant has been identified in 0.0009% (1/113112) of European chromosomes by gnomAD; however, this frequency is low enough to be consistent with the frequency of hereditary breast and ovarian cancer (HBOC) in the general population. This variant is predicted to cause a frameshift, which alters the protein’s amino acid sequence beginning at position 3006 and leads to a premature termination codon 11 amino acids downstream. This alteration is then predicted to lead to a truncated or absent protein. Loss of function of the BRCA2 gene is an established disease mechanism in autosomal dominant HBOC. Additionally, this variant was classified as pathogenic on September 8, 2016 by the ClinGen-approved ENIGMA expert panel (ClinVar SCV000301334.2). In summary, although additional studies are required to fully establish its clinical significance, this variant meets criteria to be classified as likely pathogenic for autosomal dominant hereditary breast and ovarian cancer syndrome (HBOC). ACMG/AMP Criteria applied: PM2; PVS1.

Consortium of Investigators of Modifiers of BRCA1/2 (CIMBA), c/o University of Cambridge
Classification: Pathogenic for Breast-ovarian cancer, familial, susceptibility to, 2. Last evaluated: 2015-10-02. Review status: criteria provided, single submitter. Criteria: CIMBA Mutation Classification guidelines May 2016. Collection method: clinical testing. Allele origin: germline. Not counted in ClinVar's aggregate classification.

BRCAlab, Lund University
Classification: Pathogenic for Breast-ovarian cancer, familial, susceptibility to, 2. Last evaluated: 2022-08-26. Review status: no assertion criteria provided. Collection method: clinical testing. Allele origin: germline. Affected: yes. Not counted in ClinVar's aggregate classification.

Sharing Clinical Reports Project (SCRP)
Classification: Pathogenic for Breast-ovarian cancer, familial 2. Last evaluated: 2013-02-26. Review status: no assertion criteria provided. Collection method: clinical testing. Allele origin: germline. Not counted in ClinVar's aggregate classification.

Breast Cancer Information Core (BIC) (BRCA2)
Classification: Pathogenic for Breast-ovarian cancer, familial 2. Last evaluated: 2003-12-23. Review status: no assertion criteria provided. Collection method: clinical testing. Allele origin: germline. Affected: yes. Observed: 2 variant alleles. Not counted in ClinVar's aggregate classification.

Literature cited by the submitters: PubMed 32939053 (cited by Women's Health and Genetics/Laboratory Corporation of America, LabCorp); PubMed 30720243 (cited by Laboratory for Molecular Medicine, Mass General Brigham Personalized Medicine); PubMed 11389159 (cited by Laboratory for Molecular Medicine, Mass General Brigham Personalized Medicine); PubMed 31209999 (cited by Laboratory for Molecular Medicine, Mass General Brigham Personalized Medicine).

NM_000059.4(BRCA2):c.9016_9017del (p.Tyr3006fs)

Gene: BRCA2 (BRCA2 DNA repair associated; plus strand). Cytogenetic location: 13q13.1.
Variant type: Deletion.
Coding change: c.9016_9017del on transcript NM_000059.4 (MANE Select); coding-DNA positions 9016 to 9017, 2 bases deleted (TA; older notation c.9016_9017delTA).
Protein change: p.Tyr3006fs; shifts the reading frame from tyrosine 3006.
Molecular consequence: frameshift variant.
Genome position (GRCh38, 1-based): chr13:32,379,812-32,379,813, TA deleted; deleting any 2 consecutive bases within chr13:32,379,811-32,379,813 gives the same sequence; the c. name uses the placement nearest the transcript's 3' end. VCF-style (leftmost placement, unchanged base first): chr13-32379810-GAT-G. GRCh37 (hg19) VCF-style: chr13-32953947-GAT-G.
Other names: 9243delAT; 9244delTA; c.9016_9017delTA (NM_000059.3).
Identifiers: ClinVar variation 52727 (VCV000052727.32), dbSNP rs80359739, ClinGen allele CA025926.